The following is an entry in ClinVar:

NM_000312.4(PROC):c.71-17C>T

Gene: PROC (protein C, inactivator of coagulation factors Va and VIIIa; plus strand). Cytogenetic location: 2q14.3.
Variant type: single nucleotide variant.
Coding change: c.71-17C>T on transcript NM_000312.4 (MANE Select); 17 bases into the intron before coding-DNA position 71, C replaced by T.
Molecular consequence: intron variant.
Genome position (GRCh38, 1-based): chr2:127,421,266, C>T. VCF-style: chr2-127421266-C-T. GRCh37 (hg19) VCF-style: chr2-128178842-C-T.
Other names: c.71-17C>T (NM_001375611.1, NM_001375605.1, NM_001375608.1 and 1 more transcripts); c.254-17C>T (NM_001375602.1); c.190-52C>T (NM_001375607.1); c.71-23C>T (NM_001375610.1); c.134-17C>T (NM_001375606.1, NM_001375603.1, NM_001375604.1); c.47-17C>T (NM_001375609.1).
Identifiers: ClinVar variation 469124 (VCV000469124.53), dbSNP rs138057813, ClinGen allele CA1859229.

ClinVar aggregate classification (germline): Conflicting classifications of pathogenicity. Review status: criteria provided, conflicting classifications (1 of 4 stars). 4 submissions from 4 submitters: Uncertain significance (1); Likely benign (2). 1 of the submissions does not count toward it. Last evaluated 2026-02-03.

Conditions:
Thrombophilia due to protein C deficiency, autosomal dominant. Also called: PROC DEFICIENCY, AUTOSOMAL DOMINANT; PROTEIN C DEFICIENCY, AUTOSOMAL DOMINANT. Identifiers: Orphanet 745, MedGen C2674321, MONDO:0008316, OMIM 176860. Disease mechanism: loss of function.
PROC-related disorder. Also called: PROC-related condition.

Allele frequency attached by ClinVar (database versions not stated): 1000 Genomes Project 0.00040; gnomAD 0.00046; TOPMed 0.00046; ESP Exome Variant Server 0.00085; 1000 Genomes Project 30x 0.00031.
gnomAD v4.1: 1,245 of 1,613,368 alleles (0.077%); highest among the groups gnomAD compares: Non-Finnish European, 0.095%; no homozygotes.

Submissions (4):

Labcorp Genetics (formerly Invitae), Labcorp
Classification: Likely benign for Thrombophilia due to protein C deficiency, autosomal dominant. Last evaluated: 2026-02-03. Review status: criteria provided, single submitter. Criteria: Invitae Variant Classification Sherloc (09022015). Collection method: clinical testing. Allele origin: germline.

CeGaT Center for Human Genetics Tuebingen
Classification: Uncertain significance. Last evaluated: 2022-04-01. Review status: criteria provided, single submitter. Criteria: CeGaT Center For Human Genetics Tuebingen Variant Classification Criteria Version 2. Collection method: clinical testing. Allele origin: germline. Affected: yes. Observed: 1 variant allele.

Breakthrough Genomics
Classification: Likely benign. Review status: criteria provided, single submitter. Criteria: ACMG Guidelines, 2015. Collection method: not provided. Allele origin: germline. Inheritance: Autosomal recessive inheritance. Affected: yes.

PreventionGenetics, part of Exact Sciences
Classification: Likely benign for PROC-related condition. Last evaluated: 2024-04-30. Review status: no assertion criteria provided. Collection method: clinical testing. Allele origin: germline. Not counted in ClinVar's aggregate classification.
Comment: This variant is classified as likely benign based on ACMG/AMP sequence variant interpretation guidelines (Richards et al. 2015 PMID: 25741868, with internal and published modifications).